The following is an entry in ClinVar:

NM_000748.3(CHRNB2):c.1362C>T (p.Val454=)

Gene: CHRNB2 (cholinergic receptor nicotinic beta 2 subunit; plus strand). Cytogenetic location: 1q21.3.
Variant type: single nucleotide variant.
Coding change: c.1362C>T on transcript NM_000748.3 (MANE Select); coding-DNA position 1362, C replaced by T.
Protein change: p.Val454=; no amino-acid change (valine 454 retained).
Molecular consequence: synonymous variant.
Genome position (GRCh38, 1-based): chr1:154,575,785, C>T. VCF-style: chr1-154575785-C-T. GRCh37 (hg19) VCF-style: chr1-154548261-C-T.
Identifiers: ClinVar variation 2073514 (VCV002073514.8), dbSNP rs772921552, ClinGen allele CA1130864.

ClinVar aggregate classification (germline): Likely benign. Review status: criteria provided, multiple submitters, no conflicts (2 of 4 stars). 2 submissions from 2 submitters: Likely benign (2). Last evaluated 2026-02-01.

Conditions:
Familial sleep-related hypermotor epilepsy. Also called: Autosomal Dominant Sleep-Related Hypermotor (Hyperkinetic) Epilepsy. Identifiers: Orphanet 98784, MedGen C3696898, MONDO:0000030.

Allele frequency attached by ClinVar (database versions not stated): ExAC 0.00001; gnomAD 0.00001; TOPMed 0.00002.

Submissions (2):

CeGaT Center for Human Genetics Tuebingen
Classification: Likely benign. Last evaluated: 2026-02-01. Review status: criteria provided, single submitter. Criteria: CeGaT Center For Human Genetics Tuebingen Variant Classification Criteria Version 2. Collection method: clinical testing. Allele origin: germline. Affected: yes. Observed: 1 variant allele.
Comment: CHRNB2: BP4, BP7

Labcorp Genetics (formerly Invitae), Labcorp
Classification: Likely benign. Last evaluated: 2022-09-13. Review status: criteria provided, single submitter. Criteria: Invitae Variant Classification Sherloc (09022015). Collection method: clinical testing. Allele origin: germline.